The following is an entry in ClinVar:

NM_001007553.3(CSDE1):c.1228A>T (p.Ile410Phe)

Gene: CSDE1 (cold shock domain containing E1; minus strand). Cytogenetic location: 1p13.2.
Variant type: single nucleotide variant.
Coding change: c.1228A>T on transcript NM_001007553.3 (MANE Select); coding-DNA position 1228, A replaced by T.
Protein change: p.Ile410Phe; replaces isoleucine 410 with phenylalanine.
Molecular consequence: missense variant.
Genome position (GRCh38, 1-based): chr1:114,730,386, T>A on the plus strand (A>T on the coding strand, the complement: CSDE1 is on the minus strand). VCF-style: chr1-114730386-T-A. GRCh37 (hg19) VCF-style: chr1-115273007-T-A.
Other names: c.1273A>T, p.Ile425Phe (NM_001130523.3); c.1366A>T, p.Ile456Phe (NM_001242891.2); c.1228A>T, p.Ile410Phe (NM_001242892.2); c.1135A>T, p.Ile379Phe (NM_001242893.2, NM_007158.6); short protein forms I379F, I410F, I425F, I456F.
Identifiers: ClinVar variation 1711220 (VCV001711220.30), dbSNP rs2526542923, ClinGen allele CA341754277.

ClinVar aggregate classification (germline): Uncertain significance (1 of 4 stars; one submission).

Submission:

CeGaT Center for Human Genetics Tuebingen
Classification: Uncertain significance. Last evaluated: 2022-08-01. Review status: criteria provided, single submitter. Criteria: CeGaT Center For Human Genetics Tuebingen Variant Classification Criteria Version 2. Collection method: clinical testing. Allele origin: germline. Affected: yes. Observed: 1 variant allele.
Comment: CSDE1: PM2, PP2